The following is an entry in ClinVar:

NM_025074.7(FRAS1):c.9364C>T (p.Arg3122Trp)

Gene: FRAS1 (Fraser extracellular matrix complex subunit 1; plus strand). Cytogenetic location: 4q21.21.
Variant type: single nucleotide variant.
Coding change: c.9364C>T on transcript NM_025074.7 (MANE Select); coding-DNA position 9364, C replaced by T.
Protein change: p.Arg3122Trp; replaces arginine 3122 with tryptophan.
Molecular consequence: missense variant.
Genome position (GRCh38, 1-based): chr4:78,507,468, C>T. VCF-style: chr4-78507468-C-T. GRCh37 (hg19) VCF-style: chr4-79428622-C-T.
Other names: p.Arg3122Trp; short protein forms R3122W.
Identifiers: ClinVar variation 198324 (VCV000198324.44), dbSNP rs200346497, ClinGen allele CA246910.
Genomic context (GRCh38, chr4:78,507,468, plus strand): 5'-GTCCTTGGCGAAGGTGTGGATCATATCTTTTTTAAAGTTGAGATCCTGTCCAATGAAGAC[C>T]GGGAATGGCATGAATCTTTCTCACTAGTCCTTGGCCCAGATGACCCAGTGGAAGCAGTTC-3'
Protein context (NP_079350.5, residues 3112-3132): FKVEILSNED[Arg3122Trp]EWHESFSLVL

ClinVar aggregate classification (germline): Conflicting classifications of pathogenicity. Review status: criteria provided, conflicting classifications (1 of 4 stars). 14 submissions from 14 submitters: Uncertain significance (9); Likely benign (2). 3 of the submissions do not count toward it. Last evaluated 2026-08-31.

Conditions:
FRAS1-related disorder. Also called: FRAS1-related condition.
Inborn genetic diseases. Identifiers: MedGen C0950123, MeSH D030342.
Anophthalmia-microphthalmia syndrome. Also called: Anophthalmia/Microphthalmia; Anophthalmia - microphthalmia. Identifiers: Orphanet 98555, MedGen C5680330, MONDO:0020147.
Fraser syndrome 1 (FRASRS1). Also called: CRYPTOPHTHALMOS WITH OTHER MALFORMATIONS. Identifiers: Orphanet 2052, MedGen C4551480, MONDO:0054737, OMIM 219000.

Allele frequency attached by ClinVar (database versions not stated): gnomAD 0.00039 and 0.00046; 1000 Genomes Project 30x 0.00047; 1000 Genomes Project 0.00060; TOPMed 0.00067.
gnomAD v4.1: 456 of 1,612,366 alleles (0.028%); highest among the groups gnomAD compares: Middle Eastern, 0.45%; no homozygotes.

Submissions (14):

PreventionGenetics, part of Exact Sciences
Classification: Uncertain significance for FRAS1-related condition. Last evaluated: 2026-08-31. Review status: criteria provided, single submitter. Criteria: ACMG Guidelines, 2015. Collection method: clinical testing. Allele origin: germline.
Comment: The FRAS1 c.9364C>T variant is predicted to result in the amino acid substitution p.Arg3122Trp. This variant was reported in an individual with congenital anomalies of kidney and urinary tract along with a second potentially causative variant (Kohl et al. 2014. PubMed ID: 24700879; Table S6, Seltzsam et al. 2021. PubMed ID: 34906515). This variant was also reported in cohort of Focal and segmental glomerulosclerosis patients, however additional information was not provided (Table S4, Wang et al. 2019. PubMed ID: 31308072) and in an individual with Ocular developmental anomalies in absence of second FRAS1 variant and additional variants in other genes were also present (Table S4, Chassaing et al. 2016. PubMed ID: 26893459). This variant has also been reported in a patient with Peter's anomaly (Supplementary Data 3C, Chesneau et al. 2022. PubMed ID: 35170016). This variant is reported in 0.098% of alleles in individuals of Latino descent in gnomAD, which may be higher than expected for variant causative in autosomal recessive disorder. This variant is assessed from uncertain to likely benign in ClinVar. At this time, the clinical significance of this variant is uncertain due to the absence of conclusive functional and genetic evidence.

CeGaT Center for Human Genetics Tuebingen
Classification: Uncertain significance. Last evaluated: 2026-06-01. Review status: criteria provided, single submitter. Criteria: CeGaT Center For Human Genetics Tuebingen Variant Classification Criteria Version 2. Collection method: clinical testing. Allele origin: germline. Affected: yes. Observed: 3 variant alleles.
Comment: FRAS1: PM2

Women's Health and Genetics/Laboratory Corporation of America, LabCorp
Classification: Likely benign. Last evaluated: 2025-01-07. Review status: criteria provided, single submitter. Criteria: LabCorp Variant Classification Summary - May 2015. Collection method: clinical testing. Allele origin: germline.
Comment: Variant summary: FRAS1 c.9364C>T (p.Arg3122Trp) results in a non-conservative amino acid change located in the Calx-beta domain ( IPR003644) of the encoded protein sequence. Four of five in-silico tools predict a damaging effect of the variant on protein function. The variant allele was found at a frequency of 0.00028 in 1612366 control chromosomes, predominantly at a frequency of 0.0013 within the Latino subpopulation and a frequency of 0.0045 in the Middle Eastern subpopulation in the gnomAD v4 database. This frequency is significantly higher than estimated for a pathogenic variant in FRAS1 causing Cryptophthalmos Syndrome (0.00028 vs 0.0045). c.9364C>T has been reported in the literature as a single heterozygous change in individuals affected with isolated congenital anomalies of the kidney and urinary tract, without strong evidence for causality (example, Kohl_2014, Seltzsam_2022, Wang_2019). These report(s) do not provide unequivocal conclusions about association of the variant with Cryptophthalmos Syndrome. To our knowledge, no experimental evidence demonstrating an impact on protein function has been reported. The following publications have been ascertained in the context of this evaluation (PMID: 24700879, 34906515, 31308072). ClinVar contains an entry for this variant (Variation ID: 198324). Based on the evidence outlined above, the variant was classified as likely benign.

Mayo Clinic Laboratories, Mayo Clinic
Classification: Uncertain significance. Last evaluated: 2024-12-25. Review status: criteria provided, single submitter. Criteria: ACMG Guidelines, 2015. Collection method: clinical testing. Allele origin: germline. Observed: 1 variant allele.

Blueprint Genetics
Classification: Uncertain significance. Last evaluated: 2024-11-18. Review status: criteria provided, single submitter. Criteria: ACMG Guidelines, 2015. Collection method: clinical testing. Allele origin: germline.

Fulgent Genetics
Classification: Uncertain significance for Fraser syndrome 1. Last evaluated: 2024-06-25. Review status: criteria provided, single submitter. Criteria: ACMG Guidelines, 2015. Collection method: clinical testing. Allele origin: germline.

Ambry Genetics
Classification: Uncertain significance for Inborn genetic diseases. Last evaluated: 2024-05-20. Review status: criteria provided, single submitter. Criteria: Ambry Variant Classification Scheme 2023. Collection method: clinical testing. Allele origin: germline.

Labcorp Genetics (formerly Invitae), Labcorp
Classification: Uncertain significance. Last evaluated: 2022-10-13. Review status: criteria provided, single submitter. Criteria: Invitae Variant Classification Sherloc (09022015). Collection method: clinical testing. Allele origin: germline.
Comment: This sequence change replaces arginine, which is basic and polar, with tryptophan, which is neutral and slightly polar, at codon 3122 of the FRAS1 protein (p.Arg3122Trp). This variant is present in population databases (rs200346497, gnomAD 0.09%). This missense change has been observed in individual(s) with clinical features of Frasier syndrome (PMID: 24700879). ClinVar contains an entry for this variant (Variation ID: 198324). Advanced modeling of protein sequence and biophysical properties (such as structural, functional, and spatial information, amino acid conservation, physicochemical variation, residue mobility, and thermodynamic stability) performed at Invitae indicates that this missense variant is expected to disrupt FRAS1 protein function. In summary, the available evidence is currently insufficient to determine the role of this variant in disease. Therefore, it has been classified as a Variant of Uncertain Significance.

Eurofins Ntd Llc (ga)
Classification: Uncertain significance. Last evaluated: 2018-03-23. Review status: criteria provided, single submitter. Criteria: EGL ClinVar v180209 classification definitions. Collection method: clinical testing. Allele origin: germline. Observed: 3 variant alleles, 3 heterozygotes.

Illumina Laboratory Services, Illumina
Classification: Uncertain significance for Fraser syndrome 1. Last evaluated: 2017-04-27. Review status: criteria provided, single submitter. Criteria: ICSL Variant Classification Criteria 13 December 2019. Collection method: clinical testing. Allele origin: germline.
Comment: This variant was observed as part of a predisposition screen in an ostensibly healthy population. A literature search was performed for the gene, cDNA change, and amino acid change (where applicable). Publications were found based on this search. However, the evidence from the literature, in combination with allele frequency data from public databases where available, was not sufficient to rule this variant in or out of causing disease. Therefore, this variant is classified as a variant of unknown significance.

Paul Sabatier University EA-4555, Paul Sabatier University
Classification: Likely benign. Last evaluated: 2013-01-01. Review status: criteria provided, single submitter. Criteria: Chassaing et al. (Genome Res. 2016). Collection method: clinical testing. Allele origin: inherited. Affected: yes. Observed: 1 heterozygote.

Clinical Genetics DNA and cytogenetics Diagnostics Lab, Erasmus MC, Erasmus Medical Center
Classification: Uncertain significance. Review status: no assertion criteria provided. Collection method: clinical testing. Allele origin: germline. Affected: yes. Study: VKGL Data-share Consensus. Not counted in ClinVar's aggregate classification.

Joint Genome Diagnostic Labs from Nijmegen and Maastricht, Radboudumc and MUMC+
Classification: Uncertain significance. Review status: no assertion criteria provided. Collection method: clinical testing. Allele origin: germline. Affected: yes. Study: VKGL Data-share Consensus. Not counted in ClinVar's aggregate classification.

Laboratory of Diagnostic Genome Analysis, Leiden University Medical Center (LUMC)
Classification: Uncertain significance. Review status: no assertion criteria provided. Collection method: clinical testing. Allele origin: germline. Affected: yes. Study: VKGL Data-share Consensus. Not counted in ClinVar's aggregate classification.

Literature cited by the submitters: PubMed 24700879 (cited by 6 submitters); PubMed 34906515 (cited by Women's Health and Genetics/Laboratory Corporation of America, LabCorp); PubMed 31308072 (cited by 3 submitters); PubMed 34426522 (cited by Mayo Clinic Laboratories, Mayo Clinic); PubMed 25353622 (cited by Eurofins Ntd Llc (ga) and Illumina Laboratory Services, Illumina); PubMed 26893459 (cited by Eurofins Ntd Llc (ga) and Illumina Laboratory Services, Illumina).